The following is an entry in ClinVar:

NM_000051.4(ATM):c.6590A>T (p.Gln2197Leu)

Genes: ATM (ATM serine/threonine kinase; plus strand), C11orf65 (chromosome 11 open reading frame 65; minus strand). Cytogenetic location: 11q22.3.
Variant type: single nucleotide variant.
Coding change: c.6590A>T on transcript NM_000051.4 (MANE Select); coding-DNA position 6590, A replaced by T.
Protein change: p.Gln2197Leu; replaces glutamine 2197 with leucine.
Molecular consequence: missense variant. On other transcripts: intron variant (2).
Genome position (GRCh38, 1-based): chr11:108,325,327, A>T. VCF-style: chr11-108325327-A-T. GRCh37 (hg19) VCF-style: chr11-108196054-A-T.
Other names: c.6590A>T, p.Gln2197Leu (NM_001351834.2); c.641-16256T>A (NM_001330368.2); c.*38+9893T>A (NM_001351110.2); short protein forms Q2197L.
Identifiers: ClinVar variation 3222410 (VCV003222410.3), dbSNP rs1412850323, ClinGen allele CA382554679.

ClinVar aggregate classification (germline): Uncertain significance. Review status: criteria provided, multiple submitters, no conflicts (2 of 4 stars). 2 submissions from 2 submitters: Uncertain significance (2). Last evaluated 2024-03-11.

Conditions:
Ataxia-telangiectasia syndrome (AT). Also called: AT, COMPLEMENTATION GROUP C; Ataxia-telangiectasia, complementation group D; ATAXIA-TELANGIECTASIA, COMPLEMENTATION GROUP A; ATAXIA-TELANGIECTASIA, FRESNO VARIANT; Ataxia-telangiectasia; Ataxia-telangiectasia, complementation group E. Identifiers: Orphanet 100, MedGen C0004135, MONDO:0008840, OMIM 208900.
Hereditary cancer-predisposing syndrome. Also called: Tumor predisposition; Hereditary Cancer Syndrome; Hereditary neoplastic syndrome; Neoplastic Syndromes, Hereditary. Identifiers: Orphanet 140162, MedGen C0027672, MeSH D009386, MONDO:0015356.

Submissions (2):

Labcorp Genetics (formerly Invitae), Labcorp
Classification: Uncertain significance for Ataxia-telangiectasia syndrome. Last evaluated: 2024-03-11. Review status: criteria provided, single submitter. Criteria: Invitae Variant Classification Sherloc (09022015). Collection method: clinical testing. Allele origin: germline.
Comment: This sequence change replaces glutamine, which is neutral and polar, with leucine, which is neutral and non-polar, at codon 2197 of the ATM protein (p.Gln2197Leu). This variant is not present in population databases (gnomAD no frequency). This variant has not been reported in the literature in individuals affected with ATM-related conditions. An algorithm developed to predict the effect of missense changes on protein structure and function (PolyPhen-2) suggests that this variant is likely to be tolerated. In summary, the available evidence is currently insufficient to determine the role of this variant in disease. Therefore, it has been classified as a Variant of Uncertain Significance.

Ambry Genetics
Classification: Uncertain significance for Hereditary cancer-predisposing syndrome. Last evaluated: 2023-09-27. Review status: criteria provided, single submitter. Criteria: Ambry Variant Classification Scheme 2023. Collection method: clinical testing. Allele origin: germline.
Comment: The p.Q2197L variant (also known as c.6590A>T), located in coding exon 45 of the ATM gene, results from an A to T substitution at nucleotide position 6590. The glutamine at codon 2197 is replaced by leucine, an amino acid with dissimilar properties. This amino acid position is conserved. In addition, this alteration is predicted to be tolerated by in silico analysis. Since supporting evidence is limited at this time, the clinical significance of this alteration remains unclear.